The following is an entry in ClinVar:

NM_005138.3(SCO2):c.255G>A (p.Leu85=)

Genes: NCAPH2 (non-SMC condensin II complex subunit H2; plus strand), SCO2 (synthesis of cytochrome C oxidase 2; minus strand). Cytogenetic location: 22q13.33.
Variant type: single nucleotide variant.
Coding change: c.255G>A on transcript NM_005138.3 (MANE Select); coding-DNA position 255, G replaced by A.
Protein change: p.Leu85=; no amino-acid change (leucine 85 retained).
Molecular consequence: synonymous variant. On other transcripts: 3 prime UTR variant (2).
Genome position (GRCh38, 1-based): chr22:50,524,157, C>T on the plus strand (G>A on the coding strand, the complement: SCO2 is on the minus strand). VCF-style: chr22-50524157-C-T. GRCh37 (hg19) VCF-style: chr22-50962586-C-T.
Other names: c.*782C>T (NM_001185011.2, NM_152299.4); c.255G>A, p.Leu85= (NM_001169109.2, NM_001169110.1, NM_001169111.2).
Identifiers: ClinVar variation 511285 (VCV000511285.4), dbSNP rs1382926090, ClinGen allele CA515387453.

ClinVar aggregate classification (germline): Likely benign. Review status: criteria provided, multiple submitters, no conflicts (2 of 4 stars). 2 submissions from 2 submitters: Likely benign (2). Last evaluated 2023-09-21.

Allele frequency attached by ClinVar (database versions not stated): TOPMed 0.00001.
gnomAD v4.1: 4 of 1,611,284 alleles (0.00025%); highest among the groups gnomAD compares: Non-Finnish European, 0.00034%; no homozygotes.

Submissions (2):

Labcorp Genetics (formerly Invitae), Labcorp
Classification: Likely benign. Last evaluated: 2023-09-21. Review status: criteria provided, single submitter. Criteria: Invitae Variant Classification Sherloc (09022015). Collection method: clinical testing. Allele origin: germline.

GeneDx
Classification: Likely benign. Last evaluated: 2017-08-21. Review status: criteria provided, single submitter. Criteria: GeneDx Variant Classification (06012015). Collection method: clinical testing. Allele origin: germline. Affected: yes.
Comment: This variant is considered likely benign or benign based on one or more of the following criteria: it is a conservative change, it occurs at a poorly conserved position in the protein, it is predicted to be benign by multiple in silico algorithms, and/or has population frequency not consistent with disease.